The following is an entry in ClinVar:

ClinVar aggregate classification (germline): Conflicting classifications of pathogenicity. Review status: criteria provided, conflicting classifications (1 of 4 stars). 2 submissions from 2 submitters: Uncertain significance (1); Likely benign (1). Last evaluated 2025-03-13.

Submissions (2):

Ambry Genetics
Classification: Likely benign. Last evaluated: 2025-03-13. Review status: criteria provided, single submitter. Criteria: Ambry Variant Classification Scheme 2023. Collection method: clinical testing. Allele origin: germline.

Labcorp Genetics (formerly Invitae), Labcorp
Classification: Uncertain significance. Last evaluated: 2025-02-03. Review status: criteria provided, single submitter. Criteria: Invitae Variant Classification Sherloc (09022015). Collection method: clinical testing. Allele origin: germline.
Comment: This sequence change replaces arginine, which is basic and polar, with lysine, which is basic and polar, at codon 11 of the ATRIP protein (p.Arg11Lys). This variant is present in population databases (rs757688146, gnomAD 0.1%), and has an allele count higher than expected for a pathogenic variant. This variant has not been reported in the literature in individuals affected with ATRIP-related conditions. ClinVar contains an entry for this variant (Variation ID: 2071781). An algorithm developed to predict the effect of missense changes on protein structure and function outputs the following: PolyPhen-2: "Possibly Damaging". The lysine amino acid residue is found in multiple mammalian species, which suggests that this missense change does not adversely affect protein function. In summary, the available evidence is currently insufficient to determine the role of this variant in disease. Therefore, it has been classified as a Variant of Uncertain Significance.

NM_130384.3(ATRIP):c.32G>A (p.Arg11Lys)

Genes: ATRIP (ATR interacting protein; plus strand), ATRIP-TREX1 (ATRIP-TREX1 readthrough; plus strand), LOC129936703 (ATAC-STARR-seq lymphoblastoid silent region 14331; plus strand). Cytogenetic location: 3p21.31.
Variant type: single nucleotide variant.
Coding change: c.32G>A on transcript NM_130384.3 (MANE Select); coding-DNA position 32, G replaced by A.
Protein change: p.Arg11Lys; replaces arginine 11 with lysine.
Molecular consequence: missense variant. On other transcripts: non-coding transcript variant (1), intron variant (1).
Genome position (GRCh38, 1-based): chr3:48,446,877, G>A. VCF-style: chr3-48446877-G-A. GRCh37 (hg19) VCF-style: chr3-48488281-G-A.
Other names: c.32G>A, p.Arg11Lys (NM_032166.4); c.-218+78G>A (NM_001271022.2); c.32G>A (NM_130384.1); short protein forms R11K.
Identifiers: ClinVar variation 2071781 (VCV002071781.4), dbSNP rs757688146, ClinGen allele CA2375863.